The following is an entry in ClinVar:

NM_133510.4(RAD51B):c.316-9_316-3dup

Gene: RAD51B (RAD51 paralog B; plus strand). Cytogenetic location: 14q24.1.
Variant type: Duplication.
Coding change: c.316-9_316-3dup on transcript NM_133510.4 (MANE Select); 9 bases into the intron before coding-DNA position 316 through 3 bases into the intron before coding-DNA position 316, 7 bases duplicated (TTTTTTT; older notation c.316-9_316-3dupTTTTTTT).
Molecular consequence: intron variant.
Genome position (GRCh38, 1-based): chr14:67,864,994-67,865,000, TTTTTTT duplicated; duplicating any 7 consecutive bases within chr14:67,864,962-67,865,000 gives the same sequence; the c. name uses the placement nearest the transcript's 3' end. VCF-style (leftmost placement, unchanged base first): chr14-67864961-C-CTTTTTTT. GRCh37 (hg19) VCF-style: chr14-68331678-C-CTTTTTTT.
Other names: c.316-9_316-3dup (NM_001321818.2, NM_001321809.2, NM_001321821.2 and 6 more transcripts); c.-42-9_-42-3dup (NM_001321817.2); c.202-9_202-3dup (NM_001321815.1); c.316-9_316-3dup7 (NM_133509.3).
Identifiers: ClinVar variation 2644340 (VCV002644340.25), dbSNP rs745505141, ClinGen allele CA919441875.

ClinVar aggregate classification (germline): Benign. Review status: criteria provided, single submitter (1 of 4 stars). 2 submissions from 2 submitters: Benign (1). 1 of the submissions does not count toward it. Last evaluated 2022-05-01.

Conditions:
RAD51B-related disorder. Also called: RAD51B-related condition.

Submissions (2):

CeGaT Center for Human Genetics Tuebingen
Classification: Benign. Last evaluated: 2022-05-01. Review status: criteria provided, single submitter. Criteria: CeGaT Center For Human Genetics Tuebingen Variant Classification Criteria Version 2. Collection method: clinical testing. Allele origin: germline. Affected: yes. Observed: 1 variant allele.
Comment: RAD51B: BS1, BS2

PreventionGenetics, part of Exact Sciences
Classification: Likely benign for RAD51B-related condition. Last evaluated: 2020-01-13. Review status: no assertion criteria provided. Collection method: clinical testing. Allele origin: germline. Not counted in ClinVar's aggregate classification.
Comment: This variant is classified as likely benign based on ACMG/AMP sequence variant interpretation guidelines (Richards et al. 2015 PMID: 25741868, with internal and published modifications).